The following is an entry in ClinVar:

ClinVar aggregate classification (germline): Uncertain significance (1 of 4 stars; one submission).

Conditions:
Episodic kinesigenic dyskinesia (EKD). Also called: Paroxysmal kinesigenic dyskinesia. Identifiers: Orphanet 98809, MedGen C1868682, MONDO:0044202.

gnomAD v4.1: 1 of 1,610,218 alleles (0.000062%); highest among the groups gnomAD compares: Non-Finnish European, 0.000085%; no homozygotes.

Submission:

Labcorp Genetics (formerly Invitae), Labcorp
Classification: Uncertain significance for Episodic kinesigenic dyskinesia. Last evaluated: 2024-04-12. Review status: criteria provided, single submitter. Criteria: Invitae Variant Classification Sherloc (09022015). Collection method: clinical testing. Allele origin: germline.
Comment: This sequence change replaces proline, which is neutral and non-polar, with leucine, which is neutral and non-polar, at codon 203 of the PRRT2 protein (p.Pro203Leu). This variant is not present in population databases (gnomAD no frequency). This variant has not been reported in the literature in individuals affected with PRRT2-related conditions. Advanced modeling of protein sequence and biophysical properties (such as structural, functional, and spatial information, amino acid conservation, physicochemical variation, residue mobility, and thermodynamic stability) performed at Invitae indicates that this missense variant is not expected to disrupt PRRT2 protein function with a negative predictive value of 95%. In summary, the available evidence is currently insufficient to determine the role of this variant in disease. Therefore, it has been classified as a Variant of Uncertain Significance.

NM_145239.3(PRRT2):c.608C>T (p.Pro203Leu)

Genes: MVP-DT (MVP divergent transcript; minus strand), PRRT2 (proline rich transmembrane protein 2; plus strand). Cytogenetic location: 16p11.2.
Variant type: single nucleotide variant.
Coding change: c.608C>T on transcript NM_145239.3 (MANE Select); coding-DNA position 608, C replaced by T.
Protein change: p.Pro203Leu; replaces proline 203 with leucine.
Molecular consequence: missense variant.
Genome position (GRCh38, 1-based): chr16:29,813,662, C>T. VCF-style: chr16-29813662-C-T. GRCh37 (hg19) VCF-style: chr16-29824983-C-T.
Other names: c.608C>T, p.Pro203Leu (NM_001256442.2, NM_001256443.2); short protein forms P203L.
Identifiers: ClinVar variation 3704638 (VCV003704638.2).
Genomic context (GRCh38, chr16:29,813,662, plus strand): 5'-CAGTGGTGCCCCTGCAGGCTGGTGATGGGGAAGAGGGCCCAGCCCCTGAGCCTCACTCAC[C>T]ACCCTCAAAAAAATCCCCCCCAGCCAATGGGGCCCCCCCCCGAGTGCTGCAGCAGCTGGT-3'
Protein context (NP_660282.2, residues 193-213): EEGPAPEPHS[Pro203Leu]PSKKSPPANG